The following is an entry in ClinVar:

NM_183050.4(BCKDHB):c.652C>T (p.Pro218Ser)

Gene: BCKDHB (branched chain keto acid dehydrogenase E1 subunit beta; plus strand). Cytogenetic location: 6q14.1.
Variant type: single nucleotide variant.
Coding change: c.652C>T on transcript NM_183050.4 (MANE Select); coding-DNA position 652, C replaced by T.
Protein change: p.Pro218Ser; replaces proline 218 with serine.
Molecular consequence: missense variant. On other transcripts: non-coding transcript variant (4).
Genome position (GRCh38, 1-based): chr6:80,171,300, C>T. VCF-style: chr6-80171300-C-T. GRCh37 (hg19) VCF-style: chr6-80881017-C-T.
Other names: c.652C>T, p.Pro218Ser (NM_000056.5, NM_001424035.1, NM_001424036.1 and 7 more transcripts); c.442C>T, p.Pro148Ser (NM_001318975.1, NM_001424043.1); short protein forms P148S, P218S.
Identifiers: ClinVar variation 3335963 (VCV003335963.1).

ClinVar aggregate classification (germline): Uncertain significance (1 of 4 stars; one submission).

Submission:

Women's Health and Genetics/Laboratory Corporation of America, LabCorp
Classification: Uncertain significance. Last evaluated: 2024-05-14. Review status: criteria provided, single submitter. Criteria: LabCorp Variant Classification Summary - May 2015. Collection method: clinical testing. Allele origin: germline.
Comment: Variant summary: BCKDHB c.652C>T (p.Pro218Ser) results in a non-conservative amino acid change located in the Transketolase-like, pyrimidine-binding domain (IPR005475) of the encoded protein sequence. Five of five in-silico tools predict a damaging effect of the variant on protein function. The variant was absent in 249910 control chromosomes. c.652C>T has been reported in the literature in an individual affected with Maple Syrup Urine Disease. These data indicate that the variant may be associated with disease. To our knowledge, no experimental evidence demonstrating an impact on protein function has been reported. The following publication have been ascertained in the context of this evaluation (PMID: 29306928). No submitters have cited clinical-significance assessments for this variant to ClinVar. Based on the evidence outlined above, the variant was classified as VUS-possibly pathogenic.

Literature cited by the submitters: PubMed 29306928.